The following is an entry in ClinVar:

ClinVar aggregate classification (germline): Uncertain significance (1 of 4 stars; one submission).

Conditions:
Cranium bifidum occultum. Also called: Enlarged Parietal Foramina; CATLIN MARKS; CRANIUM BIFIDUM, HEREDITARY. Identifiers: MedGen C1868598, HP:0004423.

Allele frequency attached by ClinVar (database versions not stated): gnomAD exomes below 0.00001; ExAC 0.00003.

Submission:

Labcorp Genetics (formerly Invitae), Labcorp
Classification: Uncertain significance for Cranium bifidum occultum. Last evaluated: 2023-03-19. Review status: criteria provided, single submitter. Criteria: Invitae Variant Classification Sherloc (09022015). Collection method: clinical testing. Allele origin: germline.
Comment: This sequence change replaces lysine, which is basic and polar, with arginine, which is basic and polar, at codon 160 of the MSX2 protein (p.Lys160Arg). This variant is present in population databases (rs770204721, gnomAD 0.03%). In summary, the available evidence is currently insufficient to determine the role of this variant in disease. Therefore, it has been classified as a Variant of Uncertain Significance. Advanced modeling of protein sequence and biophysical properties (such as structural, functional, and spatial information, amino acid conservation, physicochemical variation, residue mobility, and thermodynamic stability) performed at Invitae indicates that this missense variant is not expected to disrupt MSX2 protein function. This variant has not been reported in the literature in individuals affected with MSX2-related conditions.

NM_002449.5(MSX2):c.479A>G (p.Lys160Arg)

Gene: MSX2 (msh homeobox 2; plus strand). Cytogenetic location: 5q35.2.
Variant type: single nucleotide variant.
Coding change: c.479A>G on transcript NM_002449.5 (MANE Select); coding-DNA position 479, A replaced by G.
Protein change: p.Lys160Arg; replaces lysine 160 with arginine.
Molecular consequence: missense variant. On other transcripts: 3 prime UTR variant (1).
Genome position (GRCh38, 1-based): chr5:174,729,258, A>G. VCF-style: chr5-174729258-A-G. GRCh37 (hg19) VCF-style: chr5-174156261-A-G.
Other names: c.*103A>G (NM_001363626.2); short protein forms K160R.
Identifiers: ClinVar variation 2751669 (VCV002751669.3), dbSNP rs770204721, ClinGen allele CA3565215.